The following is an entry in ClinVar:

ClinVar aggregate classification (germline): Uncertain significance (1 of 4 stars; one submission).

Conditions:
Autosomal recessive Alport syndrome (ATS2). Also called: COL4A4 Alport Syndrome and Thin Basement Membrane Nephropathy; COL4A3-Related Nephropathy; ALPORT SYNDROME 2, AUTOSOMAL RECESSIVE; Alport syndrome type 2. Identifiers: Orphanet 63, Orphanet 88919, MedGen C4746745, MONDO:0008762, OMIM 203780.
Hematuria, benign familial, 1 (BFH1). Also called: THIN MEMBRANE NEPHROPATHY. Identifiers: MedGen CN376803, MONDO:0007709, OMIM 141200.

Submission:

Genetics Department, Catlab
Classification: Uncertain significance for Autosomal recessive Alport syndrome; Hematuria, benign familial, 1. Last evaluated: 2025-12-18. Review status: criteria provided, single submitter. Criteria: ACMG Guidelines, 2015. Collection method: clinical testing. Allele origin: germline. Affected: yes.
Comment: The c.1623+5G>A is a non canonical splicing variant absent from gnomAD v4.1 (PM2_moderate) and has a REVEL score of 0.94 (PP3_moderate). With all the available evidence, the variant is classified as of uncertain significance.

NM_000092.5(COL4A4):c.1623+5G>A

Gene: COL4A4 (collagen type IV alpha 4 chain; minus strand). Cytogenetic location: 2q36.3.
Variant type: single nucleotide variant.
Coding change: c.1623+5G>A on transcript NM_000092.5 (MANE Select); 5 bases into the intron after coding-DNA position 1623, G replaced by A.
Molecular consequence: intron variant.
Genome position (GRCh38, 1-based): chr2:227,088,648, C>T on the plus strand (G>A on the coding strand, the complement: COL4A4 is on the minus strand). VCF-style: chr2-227088648-C-T. GRCh37 (hg19) VCF-style: chr2-227953364-C-T.
Identifiers: ClinVar variation 4538492 (VCV004538492.1).